The following is an entry in ClinVar:

ClinVar aggregate classification (germline): Pathogenic (1 of 4 stars; one submission).

Conditions:
Long QT syndrome (LQTS). Identifiers: MedGen C0023976, MeSH D008133, MONDO:0002442. Disease mechanism: loss of function. Inheritance: Various modes of inheritance.

Submission:

Labcorp Genetics (formerly Invitae), Labcorp
Classification: Pathogenic for Long QT syndrome. Last evaluated: 2023-11-24. Review status: criteria provided, single submitter. Criteria: Invitae Variant Classification Sherloc (09022015). Collection method: clinical testing. Allele origin: germline.
Comment: This sequence change creates a premature translational stop signal (p.Tyr673Thrfs*40) in the KCNH2 gene. It is expected to result in an absent or disrupted protein product. Loss-of-function variants in KCNH2 are known to be pathogenic (PMID: 10973849, 19862833). This variant is not present in population databases (gnomAD no frequency). This variant has not been reported in the literature in individuals affected with KCNH2-related conditions. ClinVar contains an entry for this variant (Variation ID: 2125899). For these reasons, this variant has been classified as Pathogenic.

Literature cited by the submitters: PubMed 10973849; PubMed 19862833.

NM_000238.4(KCNH2):c.2017_2020del (p.Tyr673fs)

Gene: KCNH2 (potassium voltage-gated channel subfamily H member 2; minus strand). Cytogenetic location: 7q36.1.
Variant type: Deletion.
Coding change: c.2017_2020del on transcript NM_000238.4 (MANE Select); coding-DNA positions 2017 to 2020, 4 bases deleted (TACC; older notation c.2017_2020delTACC).
Protein change: p.Tyr673fs; shifts the reading frame from tyrosine 673.
Molecular consequence: frameshift variant.
Genome position (GRCh38, 1-based): chr7:150,951,046-150,951,049, GGTA deleted on the plus strand (TACC on the coding strand, the reverse complement: KCNH2 is on the minus strand); deleting any 4 consecutive bases within chr7:150,951,046-150,951,050 gives the same sequence; the c. name uses the placement nearest the transcript's 3' end. VCF-style (leftmost placement, unchanged base first): chr7-150951045-TGGTA-T. GRCh37 (hg19) VCF-style: chr7-150648133-TGGTA-T.
Other names: c.997_1000del, p.Tyr333fs (NM_001204798.2, NM_172057.3); c.1728_1731delCTAC, p.Tyr577Thrfs (NM_001406753.1, NM_001406756.1); c.1839_1842delCTAC, p.Tyr614Thrfs (NM_001406755.1); c.1716_1719delCTAC, p.Tyr573Thrfs (NM_001406757.1); c.2016_2019delCTAC, p.Tyr673Thrfs (NM_172056.3); short protein forms Y333fs, Y673fs.
Identifiers: ClinVar variation 2125899 (VCV002125899.4), dbSNP rs2486031451, ClinGen allele CA2580077795.